The following is an entry in ClinVar:

ClinVar aggregate classification (germline): Uncertain significance (1 of 4 stars; one submission).

Conditions:
Hereditary cancer-predisposing syndrome. Also called: Tumor predisposition; Neoplastic Syndromes, Hereditary; Hereditary neoplastic syndrome; Hereditary Cancer Syndrome. Identifiers: Orphanet 140162, MedGen C0027672, MeSH D009386, MONDO:0015356.

Submission:

Ambry Genetics
Classification: Uncertain significance for Hereditary cancer-predisposing syndrome. Last evaluated: 2024-09-18. Review status: criteria provided, single submitter. Criteria: Ambry Variant Classification Scheme 2023. Collection method: clinical testing. Allele origin: germline.
Comment: The p.S377G variant (also known as c.1129A>G), located in coding exon 11 of the TSC2 gene, results from an A to G substitution at nucleotide position 1129. The serine at codon 377 is replaced by glycine, an amino acid with similar properties. This amino acid position is conserved. In addition, the in silico prediction for this alteration is inconclusive. Based on the available evidence, the clinical significance of this variant remains unclear.

NM_000548.5(TSC2):c.1129A>G (p.Ser377Gly)

Gene: TSC2 (TSC complex subunit 2; plus strand). Cytogenetic location: 16p13.3.
Variant type: single nucleotide variant.
Coding change: c.1129A>G on transcript NM_000548.5 (MANE Select); coding-DNA position 1129, A replaced by G.
Protein change: p.Ser377Gly; replaces serine 377 with glycine.
Molecular consequence: missense variant. On other transcripts: 5 prime UTR variant (10), non-coding transcript variant (5).
Genome position (GRCh38, 1-based): chr16:2,061,880, A>G. VCF-style: chr16-2061880-A-G. GRCh37 (hg19) VCF-style: chr16-2111881-A-G.
Other names: c.1129A>G, p.Ser377Gly (NM_001077183.3, NM_001114382.3, NM_001363528.2 and 6 more transcripts); c.1018A>G, p.Ser340Gly (NM_001318827.2, NM_001406670.1, NM_001406678.1); c.982A>G, p.Ser328Gly (NM_001318829.2, NM_001406675.1, NM_001406676.1 and 1 more transcripts); c.529A>G, p.Ser177Gly (NM_001318831.2, NM_001406680.1, NM_001406682.1 and 6 more transcripts); c.1162A>G, p.Ser388Gly (NM_001318832.2); c.1219A>G, p.Ser407Gly (NM_001406667.1, NM_001406668.1); c.1117A>G, p.Ser373Gly (NM_001406671.1, NM_001406673.1); c.1072A>G, p.Ser358Gly (NM_001406677.1); and 4 more; short protein forms S177G, S328G, S377G, S407G, S223G, S340G, S358G, S373G.
Identifiers: ClinVar variation 3462516 (VCV003462516.1).